The following is an entry in ClinVar:

NM_001366385.1(CARD14):c.1194G>C (p.Glu398Asp)

Gene: CARD14 (caspase recruitment domain family member 14; plus strand). Cytogenetic location: 17q25.3.
Variant type: single nucleotide variant.
Coding change: c.1194G>C on transcript NM_001366385.1 (MANE Select); coding-DNA position 1194, G replaced by C.
Protein change: p.Glu398Asp; replaces glutamic acid 398 with aspartic acid.
Molecular consequence: missense variant. On other transcripts: non-coding transcript variant (1).
Genome position (GRCh38, 1-based): chr17:80,191,427, G>C. VCF-style: chr17-80191427-G-C. GRCh37 (hg19) VCF-style: chr17-78165226-G-C.
Other names: c.1194G>C, p.Glu398Asp (NM_001257970.1, NM_024110.4); c.483G>C, p.Glu161Asp (NM_052819.3); short protein forms E398D, E161D.
Identifiers: ClinVar variation 2940170 (VCV002940170.3), dbSNP rs1231967460, ClinGen allele CA401346403.

ClinVar aggregate classification (germline): Uncertain significance (1 of 4 stars; one submission).

Conditions:
Psoriasis 2. Identifiers: MedGen C1864497, MONDO:0011269, OMIM 602723.
Pityriasis rubra pilaris (PRP). Also called: Pityriasis rubra pilaris--familial type. Identifiers: Orphanet 2897, MedGen C0032027, MONDO:0100017, OMIM 173200, MONDO:0008251.

Submission:

Labcorp Genetics (formerly Invitae), Labcorp
Classification: Uncertain significance for Pityriasis rubra pilaris; Psoriasis 2. Last evaluated: 2025-08-29. Review status: criteria provided, single submitter. Criteria: Invitae Variant Classification Sherloc (09022015). Collection method: clinical testing. Allele origin: germline.
Comment: This sequence change replaces glutamic acid, which is acidic and polar, with aspartic acid, which is acidic and polar, at codon 398 of the CARD14 protein (p.Glu398Asp). This variant is not present in population databases (gnomAD no frequency). This variant has not been reported in the literature in individuals affected with CARD14-related conditions. ClinVar contains an entry for this variant (Variation ID: 2940170). Invitae Evidence Modeling of protein sequence and biophysical properties (such as structural, functional, and spatial information, amino acid conservation, physicochemical variation, residue mobility, and thermodynamic stability) indicates that this missense variant is not expected to disrupt CARD14 protein function with a negative predictive value of 95%. In summary, the available evidence is currently insufficient to determine the role of this variant in disease. Therefore, it has been classified as a Variant of Uncertain Significance.